The following is an entry in ClinVar:

NM_000059.4(BRCA2):c.2471T>C (p.Leu824Ser)

Gene: BRCA2 (BRCA2 DNA repair associated; plus strand). Cytogenetic location: 13q13.1.
Variant type: single nucleotide variant.
Coding change: c.2471T>C on transcript NM_000059.4 (MANE Select); coding-DNA position 2471, T replaced by C.
Protein change: p.Leu824Ser; replaces leucine 824 with serine.
Molecular consequence: missense variant.
Genome position (GRCh38, 1-based): chr13:32,336,826, T>C. VCF-style: chr13-32336826-T-C. GRCh37 (hg19) VCF-style: chr13-32910963-T-C.
Other names: NM_000059.4(BRCA2):c.2471T>C; p.Leu824Ser; short protein forms L824S.
Identifiers: ClinVar variation 133734 (VCV000133734.20), dbSNP rs397507631, ClinGen allele CA015397.

ClinVar aggregate classification (germline): Likely benign. Review status: reviewed by expert panel (3 of 4 stars). 9 submissions from 9 submitters: Likely benign (1). 8 of the submissions do not count toward it. Last evaluated 2025-05-23.

Conditions:
BRCA2-related cancer predisposition. Identifiers: MedGen CN377758, MONDO:0700269.
Hereditary cancer-predisposing syndrome. Also called: Tumor predisposition; Hereditary neoplastic syndrome; Neoplastic Syndromes, Hereditary; Hereditary Cancer Syndrome. Identifiers: Orphanet 140162, MedGen C0027672, MeSH D009386, MONDO:0015356.
Ovarian cancer. Also called: OVARIAN CANCER, SOMATIC. Identifiers: Orphanet 213500, MedGen C1140680, MONDO:0008170, OMIM 167000.
Hereditary breast ovarian cancer syndrome. Also called: Hereditary breast and ovarian cancer syndrome; Hereditary breast and ovarian cancer; Hereditary breast and ovarian cancer syndrome (HBOC); Breast and ovarian cancer; BRCA1- and BRCA2-Associated Hereditary Breast and Ovarian Cancer; Hereditary breast and/or ovarian cancer syndrome. Identifiers: Orphanet 145, MedGen C0677776, MeSH D061325, MONDO:0003582. Disease mechanism: loss of function.
Breast-ovarian cancer, familial, susceptibility to, 2 (BROVCA2). Also called: BRCA2 Hereditary Breast and Ovarian Cancer. Identifiers: Orphanet 145, MedGen C2675520, MONDO:0012933, OMIM 612555. Disease mechanism: loss of function.

Allele frequency attached by ClinVar (database versions not stated): gnomAD exomes below 0.00001 and 0.00001.
gnomAD v4.1: 4 of 1,602,664 alleles (0.00025%); highest among the groups gnomAD compares: East Asian, 0.0089%; no homozygotes.

Submissions (9):

ClinGen ENIGMA BRCA1 and BRCA2 Variant Curation Expert Panel, ClinGen
Classification: Likely benign for BRCA2-related cancer predisposition. Last evaluated: 2025-05-23. Review status: reviewed by expert panel. Criteria: CSpec BRCA1/2ACMG Rules Specifications V1.2. Collection method: curation. Allele origin: germline. Inheritance: Autosomal dominant inheritance.
Comment: The c.2471T>C variant in BRCA2 is a missense variant predicted to cause substitution of leucine by serine at amino acid 824 (p.Leu824Ser). The highest non-cancer, non-founder population filter allele frequency in gnomAD v2.1 (exomes only, non-cancer subset, read depth ≥20) or gnomAD v3.1 (non-cancer subset, read depth ≥20) is 0.00002053 in the East Asian population, which is within the ENIGMA BRCA1/2 VCEP threshold (>0.00002 to ≤ 0.0001) for BS1_Supporting (BS1_Supporting met). This missense variant is located outside of a key functional domain and was not predicted to alter mRNA splicing using SpliceAI (score 0.01, score threshold <0.1) (BP1_Strong met). Multifactorial likelihood ratio analysis using clinically calibrated data produced a combined LR for this variant of 0.30789 (based on Family History LR=0.30789), within the thresholds for supporting benign evidence (LR ≥0.23 & <0.48) (BP5 met; PMIDs 31853058). In summary, this variant meets the criteria to be classified as a Likely benign variant for BRCA1-related cancer predisposition based on the ACMG/AMP criteria applied as specified by the ENIGMA BRCA1/2 VCEP (BP1_Strong, BS1_Supporting, BP5).

Ambry Genetics
Classification: Uncertain significance for Hereditary cancer-predisposing syndrome. Last evaluated: 2025-10-23. Review status: criteria provided, single submitter. Criteria: Ambry Variant Classification Scheme 2023. Collection method: clinical testing. Allele origin: germline. Not counted in ClinVar's aggregate classification.
Comment: The p.L824S variant (also known as c.2471T>C), located in coding exon 10 of the BRCA2 gene, results from a T to C substitution at nucleotide position 2471. The leucine at codon 824 is replaced by serine, an amino acid with dissimilar properties. This amino acid position is not well conserved in available vertebrate species. In addition, this alteration is predicted to be tolerated by in silico analysis. Since supporting evidence is limited at this time, the clinical significance of this alteration remains unclear.

Labcorp Genetics (formerly Invitae), Labcorp
Classification: Uncertain significance for Hereditary breast ovarian cancer syndrome. Last evaluated: 2024-10-21. Review status: criteria provided, single submitter. Criteria: Invitae Variant Classification Sherloc (09022015). Collection method: clinical testing. Allele origin: germline. Not counted in ClinVar's aggregate classification.
Comment: This sequence change replaces leucine, which is neutral and non-polar, with serine, which is neutral and polar, at codon 824 of the BRCA2 protein (p.Leu824Ser). This variant is present in population databases (rs397507631, gnomAD 0.01%). This missense change has been observed in individual(s) with breast and/ovarian cancer (PMID: 28664449, 31837001, 32068069). ClinVar contains an entry for this variant (Variation ID: 133734). Invitae Evidence Modeling of protein sequence and biophysical properties (such as structural, functional, and spatial information, amino acid conservation, physicochemical variation, residue mobility, and thermodynamic stability) indicates that this missense variant is not expected to disrupt BRCA2 protein function with a negative predictive value of 95%. In summary, the available evidence is currently insufficient to determine the role of this variant in disease. Therefore, it has been classified as a Variant of Uncertain Significance.

All of Us Research Program, National Institutes of Health
Classification: Uncertain significance for Breast-ovarian cancer, familial, susceptibility to, 2. Last evaluated: 2023-08-08. Review status: criteria provided, single submitter. Criteria: ACMG Guidelines, 2015. Collection method: clinical testing. Allele origin: germline. Inheritance: Autosomal dominant inheritance. Observed: 1 variant allele, 1 heterozygote. Not counted in ClinVar's aggregate classification.
Comment: This study involves interpretation of variants in research participants for the purpose of population health screening. Participant phenotype was not available at the time of variant classification. Additional details can be found in publication PMID: 35346344, PMCID: PMC8962531

Women's Health and Genetics/Laboratory Corporation of America, LabCorp
Classification: Uncertain significance. Last evaluated: 2023-05-22. Review status: criteria provided, single submitter. Criteria: LabCorp Variant Classification Summary - May 2015. Collection method: clinical testing. Allele origin: germline. Not counted in ClinVar's aggregate classification.
Comment: Variant summary: BRCA2 c.2471T>C (p.Leu824Ser) results in a non-conservative amino acid change in the encoded protein sequence. Two of four in-silico tools predict a benign effect of the variant on protein function. The variant allele was found at a frequency of 8.4e-06 in 237562 control chromosomes. The available data on variant occurrences in the general population are insufficient to allow any conclusion about variant significance. c.2471T>C has been reported in the literature in individuals affected with Hereditary Breast And Ovarian Cancer Syndrome, often reported as a VUS (examples: Li_2017, Kwong_2020, Guo_2020). These report(s) do not provide unequivocal conclusions about association of the variant with Hereditary Breast And Ovarian Cancer Syndrome. To our knowledge, no experimental evidence demonstrating an impact on protein function has been reported. The following publications have been ascertained in the context of this evaluation (PMID: 31837001, 32068069, 28664449). Five clinical diagnostic laboratories have submitted clinical-significance assessments for this variant to ClinVar after 2014 without evidence for independent evaluation. Multiple laboratories classified the variant as likely benign (n=1), uncertain significance (n=3), or likely pathogenic (n=1) . Based on the evidence outlined above, the variant was classified as uncertain significance.

University of Washington Department of Laboratory Medicine, University of Washington
Classification: Likely benign for Hereditary cancer-predisposing syndrome. Last evaluated: 2023-03-23. Review status: criteria provided, single submitter. Criteria: Dines et al. (Genet Med. 2020). Collection method: curation. Allele origin: germline. Not counted in ClinVar's aggregate classification.
Comment: Missense variant in a coldspot region where missense variants are very unlikely to be pathogenic (PMID:31911673).

BRCA2 exon 11 coldspot. Reclassification based on statistical prior probability.

Color Diagnostics, LLC DBA Color Health
Classification: Uncertain significance for Hereditary cancer-predisposing syndrome. Last evaluated: 2019-05-30. Review status: criteria provided, single submitter. Criteria: ACMG Guidelines, 2015. Collection method: clinical testing. Allele origin: germline. Not counted in ClinVar's aggregate classification.

ITMI
No classification provided. Condition: AllHighlyPenetrant. Last evaluated: 2013-09-19. Review status: no classification provided. Collection method: reference population. Allele origin: germline. Not counted in ClinVar's aggregate classification.
Comment: Please see associated publication for description of ethnicities

Laboratory of Molecular Epidemiology of Birth Defects, West China Second University Hospital, Sichuan University
Classification: Likely pathogenic for Ovarian cancer. Last evaluated: 2022-01-01. Review status: flagged submission. Criteria: ACMG Guidelines, 2015. Collection method: clinical testing. Allele origin: germline. Affected: yes. Not counted in ClinVar's aggregate classification.
ClinVar note: Reason: Outlier claim with insufficient supporting evidence

Literature cited by the submitters: PubMed 28664449 (cited by 3 submitters); PubMed 31837001 (cited by Labcorp Genetics (formerly Invitae), Labcorp and Women's Health and Genetics/Laboratory Corporation of America, LabCorp); PubMed 32068069 (cited by Labcorp Genetics (formerly Invitae), Labcorp and Women's Health and Genetics/Laboratory Corporation of America, LabCorp); PubMed 24728327 (cited by ITMI).